The following is an entry in ClinVar:

ClinVar aggregate classification (germline): Uncertain significance. Review status: criteria provided, multiple submitters, no conflicts (2 of 4 stars). 5 submissions from 5 submitters: Uncertain significance (5). Last evaluated 2026-04-16.

Conditions:
Fetal akinesia deformation sequence 1 (FADS1). Also called: Pena-Shokeir syndrome type I; Fetal akinesia sequence. Identifiers: Orphanet 994, MedGen C1276035, MONDO:0100101, OMIM 208150, HP:0001989.
Congenital myasthenic syndrome 10. Also called: Myasthenia, limb-girdle, familial. Identifiers: Orphanet 590, MedGen C1850792, MONDO:0009690, OMIM 254300.

Submissions (5):

Women's Health and Genetics/Laboratory Corporation of America, LabCorp
Classification: Uncertain significance. Last evaluated: 2026-04-16. Review status: criteria provided, single submitter. Criteria: LabCorp Variant Classification Summary - May 2015. Collection method: clinical testing. Allele origin: germline.
Comment: Variant summary: DOK7 c.1403_1408delGCCCTG (p.Gly468_Pro469del) results in an in-frame deletion that is predicted to remove two amino acids from the encoded protein. The variant allele was found at a frequency of 0.0001 in 200306 control chromosomes. This frequency is not significantly higher than estimated for disease-causing variants in DOK7, allowing no conclusion about variant significance. c.1403_1408delGCCCTG has been observed in at least one individual affected with late-onset Congenital Myasthenic Syndrome with second variant in the benign spectrum (e.g. Finister_2025). These report(s) do not provide unequivocal conclusions about association of the variant with Congenital Myasthenic Syndrome. To our knowledge, no experimental evidence demonstrating an impact on protein function has been reported. The following publication has been ascertained in the context of this evaluation (PMID: 40330390). ClinVar contains an entry for this variant (Variation ID: 198623). Based on the evidence outlined above, the variant was classified as uncertain significance.

Labcorp Genetics (formerly Invitae), Labcorp
Classification: Uncertain significance for Congenital myasthenic syndrome 10; Fetal akinesia deformation sequence 1. Last evaluated: 2025-01-06. Review status: criteria provided, single submitter. Criteria: Invitae Variant Classification Sherloc (09022015). Collection method: clinical testing. Allele origin: germline.
Comment: This variant, c.1403_1408del, results in the deletion of 2 amino acid(s) of the DOK7 protein (p.Gly468_Pro469del), but otherwise preserves the integrity of the reading frame. This variant is present in population databases (rs753055811, gnomAD 0.03%). This variant has not been reported in the literature in individuals affected with DOK7-related conditions. ClinVar contains an entry for this variant (Variation ID: 198623). Experimental studies and prediction algorithms are not available or were not evaluated, and the functional significance of this variant is currently unknown. In summary, the available evidence is currently insufficient to determine the role of this variant in disease. Therefore, it has been classified as a Variant of Uncertain Significance.

GeneDx
Classification: Uncertain significance. Last evaluated: 2023-12-07. Review status: criteria provided, single submitter. Criteria: GeneDx Variant Classification Process June 2021. Collection method: clinical testing. Allele origin: germline. Affected: yes.
Comment: In-frame deletion of 2 amino acids in a non-repeat region; In silico analysis supports a deleterious effect on protein structure/function; Has not been previously published as pathogenic or benign to our knowledge

Revvity Omics, Revvity
Classification: Uncertain significance. Last evaluated: 2019-10-18. Review status: criteria provided, single submitter. Criteria: ACMG Guidelines, 2015. Collection method: clinical testing. Allele origin: germline.

Eurofins Ntd Llc (ga)
Classification: Uncertain significance. Last evaluated: 2015-04-03. Review status: criteria provided, single submitter. Criteria: EGL Classification Definitions 2015. Collection method: clinical testing. Allele origin: germline. Observed: 1 variant allele, 1 heterozygote.

Literature cited by the submitters: PubMed 40330390 (cited by Women's Health and Genetics/Laboratory Corporation of America, LabCorp).

NM_173660.5(DOK7):c.1403_1408del (p.Gly468_Pro469del)

Gene: DOK7 (docking protein 7; plus strand). Cytogenetic location: 4p16.3.
Variant type: Deletion.
Coding change: c.1403_1408del on transcript NM_173660.5 (MANE Select); coding-DNA positions 1403 to 1408, 6 bases deleted (GCCCTG; older notation c.1403_1408delGCCCTG).
Protein change: p.Gly468_Pro469del.
Molecular consequence: inframe deletion. On other transcripts: 3 prime UTR variant (1).
Genome position (GRCh38, 1-based): chr4:3,493,389-3,493,394, GCCCTG deleted; deleting any 6 consecutive bases within chr4:3,493,385-3,493,394 gives the same sequence; the c. name uses the placement nearest the transcript's 3' end. VCF-style (leftmost placement, unchanged base first): chr4-3493384-GCCTGGC-G. GRCh37 (hg19) VCF-style: chr4-3495111-GCCTGGC-G.
Other names: c.1403_1408delGCCCTG (NM_173660.4, NM_173660.5); c.*624_*629del (NM_001164673.2); c.473_478del, p.Gly158_Pro159del (NM_001256896.2); c.1403_1408del, p.Gly468_Pro469del (NM_001301071.2); c.971_976del, p.Gly324_Pro325del (NM_001363811.2).
Identifiers: ClinVar variation 198623 (VCV000198623.14), dbSNP rs762148551, ClinGen allele CA247382.